The following is an entry in ClinVar:

NM_001163278.2(TENM1):c.4956C>T (p.Asn1652=)

Gene: TENM1 (teneurin transmembrane protein 1; minus strand). Cytogenetic location: Xq25.
Variant type: single nucleotide variant.
Coding change: c.4956C>T on transcript NM_001163278.2 (MANE Select); coding-DNA position 4956, C replaced by T.
Protein change: p.Asn1652=; no amino-acid change (asparagine 1652 retained).
Molecular consequence: synonymous variant.
Genome position (GRCh38, 1-based): chrX:124,420,337, G>A on the plus strand (C>T on the coding strand, the complement: TENM1 is on the minus strand). VCF-style: chrX-124420337-G-A. GRCh37 (hg19) VCF-style: chrX-123554187-G-A.
Other names: c.4953C>T, p.Asn1651= (NM_001163279.1); c.4935C>T, p.Asn1645= (NM_014253.3).
Identifiers: ClinVar variation 785709 (VCV000785709.8), dbSNP rs147511186, ClinGen allele CA10509709.

ClinVar aggregate classification (germline): Benign. Review status: criteria provided, multiple submitters, no conflicts (2 of 4 stars). 3 submissions from 3 submitters: Benign (2). 1 of the submissions does not count toward it. Last evaluated 2019-12-31.

Conditions:
TENM1-related disorder. Also called: TENM1-related condition.

Allele frequency attached by ClinVar (database versions not stated): 1000 Genomes Project 0.00795; ESP Exome Variant Server 0.01344; gnomAD exomes 0.00094 and 0.00279; 1000 Genomes Project 30x 0.00916; TOPMed 0.01057; ExAC 0.00357; gnomAD 0.00960 and 0.01044.
gnomAD v4.1: 2,123 of 1,201,379 alleles (0.18%); highest among the groups gnomAD compares: African/African-American, 3.4%; 35 homozygotes.

Submissions (3):

Labcorp Genetics (formerly Invitae), Labcorp
Classification: Benign. Last evaluated: 2019-12-31. Review status: criteria provided, single submitter. Criteria: Invitae Variant Classification Sherloc (09022015). Collection method: clinical testing. Allele origin: germline.

Breakthrough Genomics
Classification: Benign. Review status: criteria provided, single submitter. Criteria: ACMG Guidelines, 2015. Collection method: not provided. Allele origin: germline. Inheritance: Unknown mechanism. Affected: yes.

PreventionGenetics, part of Exact Sciences
Classification: Benign for TENM1-related condition. Last evaluated: 2019-04-24. Review status: no assertion criteria provided. Collection method: clinical testing. Allele origin: germline. Not counted in ClinVar's aggregate classification.
Comment: This variant is classified as benign based on ACMG/AMP sequence variant interpretation guidelines (Richards et al. 2015 PMID: 25741868, with internal and published modifications).